The following is an entry in ClinVar:

NM_024408.4(NOTCH2):c.874+6T>C

Gene: NOTCH2 (notch receptor 2; minus strand). Cytogenetic location: 1p12.
Variant type: single nucleotide variant.
Coding change: c.874+6T>C on transcript NM_024408.4 (MANE Select); 6 bases into the intron after coding-DNA position 874, T replaced by C.
Molecular consequence: intron variant.
Genome position (GRCh38, 1-based): chr1:119,986,954, A>G on the plus strand (T>C on the coding strand, the complement: NOTCH2 is on the minus strand). VCF-style: chr1-119986954-A-G. GRCh37 (hg19) VCF-style: chr1-120529577-A-G.
Other names: c.874+6T>C (NM_001200001.2).
Identifiers: ClinVar variation 1983576 (VCV001983576.4), dbSNP rs1352094619, ClinGen allele CA525750567.

ClinVar aggregate classification (germline): Uncertain significance (1 of 4 stars; one submission).

Conditions:
Hajdu-Cheney syndrome (HJCYS). Also called: SERPENTINE FIBULA-POLYCYSTIC KIDNEY SYNDROME; Acroosteolysis dominant type; ACROOSTEOLYSIS WITH OSTEOPOROSIS AND CHANGES IN SKULL AND MANDIBLE. Identifiers: Orphanet 955, MedGen C0917715, MONDO:0007057, OMIM 102500.

Allele frequency attached by ClinVar (database versions not stated): gnomAD exomes below 0.00001; TOPMed 0.00002; gnomAD 0.00003.
gnomAD v4.1: 5 of 1,613,388 alleles (0.00031%); highest among the groups gnomAD compares: African/African-American, 0.0067%; no homozygotes.

Submission:

Labcorp Genetics (formerly Invitae), Labcorp
Classification: Uncertain significance for Hajdu-Cheney syndrome. Last evaluated: 2024-09-30. Review status: criteria provided, single submitter. Criteria: Invitae Variant Classification Sherloc (09022015). Collection method: clinical testing. Allele origin: germline.
Comment: This sequence change falls in intron 5 of the NOTCH2 gene. It does not directly change the encoded amino acid sequence of the NOTCH2 protein. It affects a nucleotide within the consensus splice site. This variant is present in population databases (no rsID available, gnomAD 0.01%). This variant has not been reported in the literature in individuals affected with NOTCH2-related conditions. ClinVar contains an entry for this variant (Variation ID: 1983576). Variants that disrupt the consensus splice site are a relatively common cause of aberrant splicing (PMID: 17576681, 9536098). Algorithms developed to predict the effect of sequence changes on RNA splicing suggest that this variant is not likely to affect RNA splicing. In summary, the available evidence is currently insufficient to determine the role of this variant in disease. Therefore, it has been classified as a Variant of Uncertain Significance.

Literature cited by the submitters: PubMed 17576681; PubMed 9536098.